The following is an entry in ClinVar:

ClinVar aggregate classification (germline): Uncertain significance (1 of 4 stars; one submission).

Conditions:
Hereditary cancer-predisposing syndrome. Also called: Tumor predisposition; Hereditary Cancer Syndrome; Hereditary neoplastic syndrome; Neoplastic Syndromes, Hereditary. Identifiers: Orphanet 140162, MedGen C0027672, MeSH D009386, MONDO:0015356.

Submission:

Ambry Genetics
Classification: Uncertain significance for Hereditary cancer-predisposing syndrome. Last evaluated: 2025-09-28. Review status: criteria provided, single submitter. Criteria: Ambry Variant Classification Scheme 2023. Collection method: clinical testing. Allele origin: germline.
Comment: The p.I602N variant (also known as c.1805T>A), located in coding exon 10 of the RET gene, results from a T to A substitution at nucleotide position 1805. The isoleucine at codon 602 is replaced by asparagine, an amino acid with dissimilar properties. This amino acid position is conserved. In addition, this alteration is predicted to be deleterious by in silico analysis. Based on the available evidence, the clinical significance of this variant remains unclear.

NM_020975.6(RET):c.1805T>A (p.Ile602Asn)

Gene: RET (ret proto-oncogene; plus strand). Cytogenetic location: 10q11.21.
Variant type: single nucleotide variant.
Coding change: c.1805T>A on transcript NM_020975.6 (MANE Select); coding-DNA position 1805, T replaced by A.
Protein change: p.Ile602Asn; replaces isoleucine 602 with asparagine.
Molecular consequence: missense variant. On other transcripts: intron variant (2).
Genome position (GRCh38, 1-based): chr10:43,113,601, T>A. VCF-style: chr10-43113601-T-A. GRCh37 (hg19) VCF-style: chr10-43609049-T-A.
Other names: c.1043T>A, p.Ile348Asn (NM_001355216.2); c.1805T>A, p.Ile602Asn (NM_001406743.1, NM_001406744.1, NM_001406759.1 and 4 more transcripts); c.1676T>A, p.Ile559Asn (NM_001406761.1, NM_001406762.1, NM_001406764.1 and 1 more transcripts); c.1517T>A, p.Ile506Asn (NM_001406766.1, NM_001406767.1, NM_001406770.1); c.1409T>A, p.Ile470Asn (NM_001406769.1, NM_001406772.1); c.1367T>A, p.Ile456Asn (NM_001406771.1, NM_001406773.1); c.1280T>A, p.Ile427Asn (NM_001406774.1); c.1079T>A, p.Ile360Asn (NM_001406775.1, NM_001406776.1, NM_001406777.1 and 1 more transcripts); and 7 more; short protein forms I360N, I506N, I272N, I427N, I559N, I119N, I348N, I456N.
Identifiers: ClinVar variation 4545412 (VCV004545412.1).